The following is an entry in ClinVar:

ClinVar aggregate classification (germline): Uncertain significance. Review status: criteria provided, multiple submitters, no conflicts (2 of 4 stars). 2 submissions from 2 submitters: Uncertain significance (2). Last evaluated 2025-07-14.

Conditions:
Congenital muscular dystrophy due to integrin alpha-7 deficiency. Also called: MYOPATHY, CONGENITAL, DUE TO INTEGRIN ALPHA-7 DEFICIENCY; Congenital muscular dystrophy with integrin alpha-7 deficiency; Muscular dystrophy, congenital, due to ITGA7 deficiency. Identifiers: Orphanet 34520, MedGen C2750786, MONDO:0013177, OMIM 613204.

Allele frequency attached by ClinVar (database versions not stated): gnomAD 0.00001; gnomAD exomes 0.00002.
gnomAD v4.1: 23 of 1,612,664 alleles (0.0014%); highest among the groups gnomAD compares: Non-Finnish European, 0.002%; no homozygotes.

Submissions (2):

Labcorp Genetics (formerly Invitae), Labcorp
Classification: Uncertain significance for Congenital muscular dystrophy due to integrin alpha-7 deficiency. Last evaluated: 2025-07-14. Review status: criteria provided, single submitter. Criteria: Invitae Variant Classification Sherloc (09022015). Collection method: clinical testing. Allele origin: germline.
Comment: This sequence change replaces tryptophan, which is neutral and slightly polar, with glycine, which is neutral and non-polar, at codon 69 of the ITGA7 protein (p.Trp69Gly). This variant is not present in population databases (gnomAD no frequency). This variant has not been reported in the literature in individuals affected with ITGA7-related conditions. ClinVar contains an entry for this variant (Variation ID: 1309207). An algorithm developed to predict the effect of missense changes on protein structure and function (PolyPhen-2) suggests that this variant is likely to be disruptive. In summary, the available evidence is currently insufficient to determine the role of this variant in disease. Therefore, it has been classified as a Variant of Uncertain Significance.

GeneDx
Classification: Uncertain significance. Last evaluated: 2019-10-11. Review status: criteria provided, single submitter. Criteria: GeneDx Variant Classification Process June 2021. Collection method: clinical testing. Allele origin: germline. Affected: yes.
Comment: Not observed in large population cohorts (Lek et al., 2016); In silico analysis, which includes protein predictors and evolutionary conservation, supports a deleterious effect; Has not been previously published as pathogenic or benign to our knowledge

NM_002206.3(ITGA7):c.205T>G (p.Trp69Gly)

Gene: ITGA7 (integrin subunit alpha 7; minus strand). Cytogenetic location: 12q13.2.
Variant type: single nucleotide variant.
Coding change: c.205T>G on transcript NM_002206.3 (MANE Select); coding-DNA position 205, T replaced by G.
Protein change: p.Trp69Gly; replaces tryptophan 69 with glycine.
Molecular consequence: missense variant. On other transcripts: 5 prime UTR variant (1), intron variant (3).
Genome position (GRCh38, 1-based): chr12:55,707,478, A>C on the plus strand (T>G on the coding strand, the complement: ITGA7 is on the minus strand). VCF-style: chr12-55707478-A-C. GRCh37 (hg19) VCF-style: chr12-56101262-A-C.
Other names: c.205T>G, p.Trp69Gly (NM_001144996.2, NM_001374465.1, NM_001410977.1 and 6 more transcripts); c.-968T>G (NM_001367994.1); c.85+4585T>G (NM_001144997.2); c.-133-4300T>G (NM_001367993.1, NM_001414035.1); short protein forms W69G.
Identifiers: ClinVar variation 1309207 (VCV001309207.7), dbSNP rs1875458381, ClinGen allele CA385194015.